The following is an entry in ClinVar:

NM_000257.4(MYH7):c.5452del (p.Arg1818fs)

Gene: MYH7 (myosin heavy chain 7; minus strand). Cytogenetic location: 14q11.2.
Variant type: Deletion.
Coding change: c.5452del on transcript NM_000257.4 (MANE Select); coding-DNA position 5452, one base deleted (C; older notation c.5452delC).
Protein change: p.Arg1818fs; shifts the reading frame from arginine 1818.
Molecular consequence: frameshift variant.
Genome position (GRCh38, 1-based): chr14:23,415,102, G deleted on the plus strand (C on the coding strand, the reverse complement: MYH7 is on the minus strand). VCF-style (leftmost placement, unchanged base first): chr14-23415101-CG-C. GRCh37 (hg19) VCF-style: chr14-23884310-CG-C.
Other names: c.5452del, p.Arg1818fs (NM_001407004.1); short protein forms R1818fs.
Identifiers: ClinVar variation 4718664 (VCV004718664.1).

ClinVar aggregate classification (germline): Uncertain significance (1 of 4 stars; one submission).

Conditions:
Hypertrophic cardiomyopathy. Also called: HYPERTROPHIC MYOCARDIOPATHY. Identifiers: Orphanet 217569, MedGen C0007194, MeSH D002312, MONDO:0005045, HP:0001639.

Submission:

Labcorp Genetics (formerly Invitae), Labcorp
Classification: Uncertain significance for Hypertrophic cardiomyopathy. Last evaluated: 2025-04-30. Review status: criteria provided, single submitter. Criteria: Invitae Variant Classification Sherloc (09022015). Collection method: clinical testing. Allele origin: germline.
Comment: This sequence change creates a premature translational stop signal (p.Arg1818Glyfs*20) in the MYH7 gene. It is expected to result in an absent or disrupted protein product. However, the current clinical and genetic evidence is not sufficient to establish whether loss-of-function variants in MYH7 cause disease. This variant is not present in population databases (gnomAD no frequency). This variant has not been reported in the literature in individuals affected with MYH7-related conditions. Experimental studies and prediction algorithms are not available or were not evaluated, and the functional significance of this variant is currently unknown. In summary, the available evidence is currently insufficient to determine the role of this variant in disease. Therefore, it has been classified as a Variant of Uncertain Significance.